The following is an entry in ClinVar:

ClinVar aggregate classification (germline): Uncertain significance (1 of 4 stars; one submission).

Allele frequency attached by ClinVar (database versions not stated): gnomAD 0.00001.

Submission:

Labcorp Genetics (formerly Invitae), Labcorp
Classification: Uncertain significance. Last evaluated: 2021-09-04. Review status: criteria provided, single submitter. Criteria: Invitae Variant Classification Sherloc (09022015). Collection method: clinical testing. Allele origin: germline.
Comment: This sequence change replaces glycine with arginine at codon 364 of the PDZD7 protein (p.Gly364Arg). The glycine residue is moderately conserved and there is a moderate physicochemical difference between glycine and arginine. In summary, the available evidence is currently insufficient to determine the role of this variant in disease. Therefore, it has been classified as a Variant of Uncertain Significance. Algorithms developed to predict the effect of missense changes on protein structure and function are either unavailable or do not agree on the potential impact of this missense change (SIFT: "Tolerated"; PolyPhen-2: "Not Available"; Align-GVGD: "Class C0"). This variant has not been reported in the literature in individuals affected with PDZD7-related conditions. The frequency data for this variant in the population databases is considered unreliable, as metrics indicate insufficient coverage at this position in the ExAC database.

NM_001195263.2(PDZD7):c.1090G>C (p.Gly364Arg)

Gene: PDZD7 (PDZ domain containing 7; minus strand). Cytogenetic location: 10q24.31.
Variant type: single nucleotide variant.
Coding change: c.1090G>C on transcript NM_001195263.2 (MANE Select); coding-DNA position 1090, G replaced by C.
Protein change: p.Gly364Arg; replaces glycine 364 with arginine.
Molecular consequence: missense variant.
Genome position (GRCh38, 1-based): chr10:101,019,056, C>G on the plus strand (G>C on the coding strand, the complement: PDZD7 is on the minus strand). VCF-style: chr10-101019056-C-G. GRCh37 (hg19) VCF-style: chr10-102778813-C-G.
Other names: c.1090G>C, p.Gly364Arg (NM_001351044.2, NM_024895.5); short protein forms G364R.
Identifiers: ClinVar variation 1379571 (VCV001379571.6), dbSNP rs1211478781, ClinGen allele CA378228770.